The following is an entry in ClinVar:

ClinVar aggregate classification (germline): Uncertain significance (1 of 4 stars; one submission).

gnomAD v4.1: 2 of 1,610,324 alleles (0.00012%); highest among the groups gnomAD compares: Non-Finnish European, 0.00017%; no homozygotes.

Submission:

GeneDx
Classification: Uncertain significance. Last evaluated: 2023-06-12. Review status: criteria provided, single submitter. Criteria: GeneDx Variant Classification Process June 2021. Collection method: clinical testing. Allele origin: germline. Affected: yes.
Comment: Not observed in large population cohorts (gnomAD); In silico analysis, which includes protein predictors and evolutionary conservation, supports a deleterious effect; Has not been previously published as pathogenic or benign to our knowledge

NM_015295.3(SMCHD1):c.3788C>T (p.Pro1263Leu)

Gene: SMCHD1 (structural maintenance of chromosomes flexible hinge domain containing 1; plus strand). Cytogenetic location: 18p11.32.
Variant type: single nucleotide variant.
Coding change: c.3788C>T on transcript NM_015295.3 (MANE Select); coding-DNA position 3788, C replaced by T.
Protein change: p.Pro1263Leu; replaces proline 1263 with leucine.
Molecular consequence: missense variant.
Genome position (GRCh38, 1-based): chr18:2,743,915, C>T. VCF-style: chr18-2743915-C-T. GRCh37 (hg19) VCF-style: chr18-2743913-C-T.
Other names: short protein forms P1263L.
Identifiers: ClinVar variation 1304854 (VCV001304854.3), dbSNP rs2143570854, ClinGen allele CA401689772.